The following is an entry in ClinVar:

ClinVar aggregate classification (germline): Likely pathogenic (1 of 4 stars; one submission).

Conditions:
Epidermolysis bullosa dystrophica. Also called: Dystrophic epidermolysis bullosa, Hallopeau-Siemens type (formerly); Dystrophic epidermolysis bullosa. Identifiers: Orphanet 303, MedGen C0079294, MONDO:0006543.

Submission:

Natera, Inc.
Classification: Likely pathogenic for Dystrophic epidermolysis bullosa. Last evaluated: 2024-10-31. Review status: criteria provided, single submitter. Criteria: Natera Variant Classification Schema (03/2026). Collection method: clinical testing. Allele origin: germline.
Comment: The c.2426G>A variant in COL7A1 is a nonsense variant predicted to introduce a stop codon at amino acid 809. This variant is expected to result in nonsense mediated decay, truncation, or a dysfunctional protein product. This variant is rare in the general population with a frequency below the threshold expected for the associated phenotype(s). Given the available evidence, this variant is classified as Likely Pathogenic.

NM_000094.4(COL7A1):c.2426G>A (p.Trp809Ter)

Gene: COL7A1 (collagen type VII alpha 1 chain; minus strand). Cytogenetic location: 3p21.31.
Variant type: single nucleotide variant.
Coding change: c.2426G>A on transcript NM_000094.4 (MANE Select); coding-DNA position 2426, G replaced by A.
Protein change: p.Trp809Ter; replaces tryptophan 809 with a stop codon.
Molecular consequence: nonsense.
Genome position (GRCh38, 1-based): chr3:48,588,884, C>T on the plus strand (G>A on the coding strand, the complement: COL7A1 is on the minus strand). VCF-style: chr3-48588884-C-T. GRCh37 (hg19) VCF-style: chr3-48626317-C-T.
Other names: short protein forms W809*.
Identifiers: ClinVar variation 4817363 (VCV004817363.1).